The following is an entry in ClinVar:

NM_000334.4(SCN4A):c.1796A>G (p.His599Arg)

Gene: SCN4A (sodium voltage-gated channel alpha subunit 4; minus strand). Cytogenetic location: 17q23.3.
Variant type: single nucleotide variant.
Coding change: c.1796A>G on transcript NM_000334.4 (MANE Select); coding-DNA position 1796, A replaced by G.
Protein change: p.His599Arg; replaces histidine 599 with arginine.
Molecular consequence: missense variant.
Genome position (GRCh38, 1-based): chr17:63,961,242, T>C on the plus strand (A>G on the coding strand, the complement: SCN4A is on the minus strand). VCF-style: chr17-63961242-T-C. GRCh37 (hg19) VCF-style: chr17-62038602-T-C.
Other names: short protein forms H599R.
Identifiers: ClinVar variation 324537 (VCV000324537.65), dbSNP rs187401185, ClinGen allele CA8709746.

ClinVar aggregate classification (germline): Conflicting classifications of pathogenicity. Review status: criteria provided, conflicting classifications (1 of 4 stars). 15 submissions from 11 submitters: Uncertain significance (1); Benign (6); Likely benign (6). 2 of the submissions do not count toward it. Last evaluated 2026-08-01.

Conditions:
SCN4A-related disorder. Also called: SCN4A-related disorders.
Congenital myasthenic syndrome 16. Identifiers: Orphanet 590, MedGen C3280112, MONDO:0013620, OMIM 614198.
Paramyotonia congenita of Von Eulenburg. Also called: Paramyotonia Congenita; PARALYSIS PERIODICA PARAMYOTONICA; Eulenburg disease; Myotonia congenita intermittens; Von Eulenburg paramyotonia congenita. Identifiers: Orphanet 684, MedGen C0221055, MONDO:0008195, OMIM 168300. Disease mechanism: loss of function.
Hypokalemic periodic paralysis, type 2 (HOKPP2). Identifiers: Orphanet 681, MedGen C2750061, MONDO:0013234, OMIM 613345.
Potassium-aggravated myotonia. Also called: Myotonia congenita, atypical, acetazolamide-responsive; MYOTONIA CONGENITA, ACETAZOLAMIDE-RESPONSIVE; MYOTONIA CONGENITA, ATYPICAL; SODIUM CHANNEL MUSCLE DISEASE. Identifiers: Orphanet 612, Orphanet 99734, Orphanet 99735, Orphanet 99736, MedGen C2931826, MONDO:0018959, OMIM 608390.
Hyperkalemic periodic paralysis. Also called: Familial hyperkalemic periodic paralysis; Gamstorp disease. Identifiers: Orphanet 682, MedGen C0238357, MONDO:0008224, OMIM 170500, HP:0007215.

Allele frequency attached by ClinVar (database versions not stated): gnomAD exomes 0.00425 and 0.00277; 1000 Genomes Project 30x 0.00062; ESP Exome Variant Server 0.00344; 1000 Genomes Project 0.00060; TOPMed 0.00249; ExAC 0.00315; gnomAD 0.00331 and 0.00343.
gnomAD v4.1: 6,148 of 1,490,124 alleles (0.41%); highest among the groups gnomAD compares: Non-Finnish European, 0.5%; 25 homozygotes.

Submissions (15):

CeGaT Center for Human Genetics Tuebingen
Classification: Likely benign. Last evaluated: 2026-08-01. Review status: criteria provided, single submitter. Criteria: CeGaT Center For Human Genetics Tuebingen Variant Classification Criteria Version 2. Collection method: clinical testing. Allele origin: germline. Affected: yes. Observed: 25 variant alleles.
Comment: SCN4A: PP3, BS2

Women's Health and Genetics/Laboratory Corporation of America, LabCorp
Classification: Likely benign. Last evaluated: 2026-04-07. Review status: criteria provided, single submitter. Criteria: LabCorp Variant Classification Summary - May 2015. Collection method: clinical testing. Allele origin: germline.
Comment: Variant summary: SCN4A c.1796A>G (p.His599Arg) results in a non-conservative amino acid change in the encoded protein sequence. Algorithms developed to predict the effect of missense changes on protein structure and function all suggest that this variant is likely to be disruptive. The variant allele was found at a frequency of 0.0028 in 249060 control chromosomes, predominantly at a frequency of 0.0047 within the Non-Finnish European subpopulation in the gnomAD database, including one homozygote. The observed variant frequency within Non-Finnish European control individuals in the gnomAD database exceeds the estimated maximal expected allele frequency for disease-causing variants in SCN4A. To our knowledge, no occurrence of c.1796A>G in individuals affected with SCN4A-related conditions and no experimental evidence demonstrating its impact on protein function have been reported. ClinVar contains an entry for this variant (Variation ID: 324537). Based on the evidence outlined above, the variant was classified as likely benign.

Labcorp Genetics (formerly Invitae), Labcorp
Classification: Likely benign for Hyperkalemic periodic paralysis. Last evaluated: 2026-02-01. Review status: criteria provided, single submitter. Criteria: Invitae Variant Classification Sherloc (09022015). Collection method: clinical testing. Allele origin: germline.

Athena Diagnostics
Classification: Benign. Last evaluated: 2025-10-30. Review status: criteria provided, single submitter. Criteria: Athena Diagnostics Criteria. Collection method: clinical testing. Allele origin: unknown.
Comment: The frequency of this variant in the general population is higher than would generally be expected for pathogenic variants in this gene.

Blueprint Genetics
Classification: Likely benign. Last evaluated: 2024-11-25. Review status: criteria provided, single submitter. Criteria: ACMG Guidelines, 2015. Collection method: clinical testing. Allele origin: germline.

Mayo Clinic Laboratories, Mayo Clinic
Classification: Benign. Last evaluated: 2021-02-10. Review status: criteria provided, single submitter. Criteria: ACMG Guidelines, 2015. Collection method: clinical testing. Allele origin: germline. Observed: 8 variant alleles.

GeneDx
Classification: Likely benign. Last evaluated: 2020-06-30. Review status: criteria provided, single submitter. Criteria: GeneDx Variant Classification Process June 2021. Collection method: clinical testing. Allele origin: germline. Affected: yes.

Baylor Genetics
Classification: Uncertain significance for Paramyotonia congenita of Von Eulenburg. Last evaluated: 2018-11-15. Review status: criteria provided, single submitter. Criteria: ACMG Guidelines, 2015. Collection method: clinical testing. Allele origin: unknown. Affected: yes.
Comment: This variant was determined to be of uncertain significance according to ACMG Guidelines, 2015 [PMID:25741868].

Illumina Laboratory Services, Illumina
Classification: Benign for Paramyotonia congenita of Von Eulenburg. Last evaluated: 2018-01-13. Review status: criteria provided, single submitter. Criteria: ICSL Variant Classification Criteria 13 December 2019. Collection method: clinical testing. Allele origin: germline.
Comment: This variant was observed in the ICSL laboratory as part of a predisposition screen in an ostensibly healthy population. It had not been previously curated by ICSL or reported in the Human Gene Mutation Database (HGMD: prior to June 1st, 2018), and was therefore a candidate for classification through an automated scoring system. Utilizing variant allele frequency, disease prevalence and penetrance estimates, and inheritance mode, an automated score was calculated to assess if this variant is too frequent to cause the disease. Based on the score and internal cut-off values, a variant classified as benign is not then subjected to further curation. The score for this variant resulted in a classification of benign for this disease.

Illumina Laboratory Services, Illumina
Classification: Likely benign for Congenital myasthenic syndrome 16. Last evaluated: 2018-01-13. Review status: criteria provided, single submitter. Criteria: ICSL Variant Classification Criteria 13 December 2019. Collection method: clinical testing. Allele origin: germline.
Comment: This variant was observed in the ICSL laboratory as part of a predisposition screen in an ostensibly healthy population. It had not been previously curated by ICSL or reported in the Human Gene Mutation Database (HGMD: prior to June 1st, 2018), and was therefore a candidate for classification through an automated scoring system. Utilizing variant allele frequency, disease prevalence and penetrance estimates, and inheritance mode, an automated score was calculated to assess if this variant is too frequent to cause the disease. Based on the score and internal cut-off values, a variant classified as likely benign is not then subjected to further curation. The score for this variant resulted in a classification of likely benign for this disease.

Illumina Laboratory Services, Illumina
Classification: Benign for Hyperkalemic periodic paralysis. Last evaluated: 2018-01-13. Review status: criteria provided, single submitter. Criteria: ICSL Variant Classification Criteria 13 December 2019. Collection method: clinical testing. Allele origin: germline.
Comment: the same text as in the submission from Illumina Laboratory Services, Illumina above.

Illumina Laboratory Services, Illumina
Classification: Benign for Potassium-aggravated myotonia. Last evaluated: 2018-01-13. Review status: criteria provided, single submitter. Criteria: ICSL Variant Classification Criteria 13 December 2019. Collection method: clinical testing. Allele origin: germline.
Comment: the same text as in the submission from Illumina Laboratory Services, Illumina above.

Illumina Laboratory Services, Illumina
Classification: Benign for Hypokalemic periodic paralysis, type 2. Last evaluated: 2018-01-13. Review status: criteria provided, single submitter. Criteria: ICSL Variant Classification Criteria 13 December 2019. Collection method: clinical testing. Allele origin: germline.
Comment: the same text as in the submission from Illumina Laboratory Services, Illumina above.

PreventionGenetics, part of Exact Sciences
Classification: Likely benign for SCN4A-related condition. Last evaluated: 2021-02-03. Review status: no assertion criteria provided. Collection method: clinical testing. Allele origin: germline. Not counted in ClinVar's aggregate classification.
Comment: This variant is classified as likely benign based on ACMG/AMP sequence variant interpretation guidelines (Richards et al. 2015 PMID: 25741868, with internal and published modifications).

Clinical Genetics DNA and cytogenetics Diagnostics Lab, Erasmus MC, Erasmus Medical Center
Classification: Uncertain significance. Review status: no assertion criteria provided. Collection method: clinical testing. Allele origin: germline. Affected: yes. Study: VKGL Data-share Consensus. Not counted in ClinVar's aggregate classification.

Literature cited by the submitters: PubMed 37234784 (cited by Athena Diagnostics).